The following is an entry in ClinVar:

NM_001042492.3(NF1):c.1527+660_1527+688del

Gene: NF1 (neurofibromin 1; plus strand). Cytogenetic location: 17q11.2.
Variant type: Deletion.
Coding change: c.1527+660_1527+688del on transcript NM_001042492.3 (MANE Select); bases 660 to 688 of the intron after coding-DNA position 1527, 29 bases deleted (TGCTGTGATTACAGGCATGAGCCCCCATG).
Molecular consequence: intron variant.
Genome position (GRCh38, 1-based): chr17:31,215,245-31,215,273, TGCTGTGATTACAGGCATGAGCCCCCATG deleted; deleting any 29 consecutive bases within chr17:31,215,244-31,215,273 gives the same sequence; the c. name uses the placement nearest the transcript's 3' end. VCF-style (leftmost placement, unchanged base first): chr17-31215243-AGTGCTGTGATTACAGGCATGAGCCCCCAT-A. GRCh37 (hg19) VCF-style: chr17-29542261-AGTGCTGTGATTACAGGCATGAGCCCCCAT-A.
Other names: c.1527+660_1527+688del (NM_000267.4, NM_001128147.3).
Identifiers: ClinVar variation 3673155 (VCV003673155.2).

ClinVar aggregate classification (germline): Uncertain significance (1 of 4 stars; one submission).

Conditions:
Neurofibromatosis, type 1 (NF1). Also called: VON RECKLINGHAUSEN DISEASE; NEUROFIBROMATOSIS, TYPE I, SOMATIC; Neurofibromatosis, type I; Peripheral type neurofibromatosis. Identifiers: Orphanet 636, MedGen C0027831, MONDO:0018975, OMIM 162200. Disease mechanism: loss of function.

Submission:

Labcorp Genetics (formerly Invitae), Labcorp
Classification: Uncertain significance for Neurofibromatosis, type 1. Last evaluated: 2024-07-03. Review status: criteria provided, single submitter. Criteria: Invitae Variant Classification Sherloc (09022015). Collection method: clinical testing. Allele origin: germline.
Comment: This sequence change falls in intron 13 of the NF1 gene. It does not directly change the encoded amino acid sequence of the NF1 protein. This variant is not present in population databases (gnomAD no frequency). This variant has not been reported in the literature in individuals affected with NF1-related conditions. In summary, the available evidence is currently insufficient to determine the role of this variant in disease. Therefore, it has been classified as a Variant of Uncertain Significance.